The following is an entry in ClinVar:

NM_001904.4(CTNNB1):c.2011A>G (p.Lys671Glu)

Gene: CTNNB1 (catenin beta 1; plus strand). Cytogenetic location: 3p22.1.
Variant type: single nucleotide variant.
Coding change: c.2011A>G on transcript NM_001904.4 (MANE Select); coding-DNA position 2011, A replaced by G.
Protein change: p.Lys671Glu; replaces lysine 671 with glutamic acid.
Molecular consequence: missense variant.
Genome position (GRCh38, 1-based): chr3:41,236,644, A>G. VCF-style: chr3-41236644-A-G. GRCh37 (hg19) VCF-style: chr3-41278135-A-G.
Other names: c.2011A>G, p.Lys671Glu (NM_001098209.2, NM_001098210.2); c.1990A>G, p.Lys664Glu (NM_001330729.2); short protein forms K664E, K671E.
Identifiers: ClinVar variation 2504724 (VCV002504724.1), dbSNP rs2470849467, ClinGen allele CA352236555.
Genomic context (GRCh38, chr3:41,236,644, plus strand): 5'-TTAGCGACATATGCAGCTGCTGTTTTGTTCCGAATGTCTGAGGACAAGCCACAAGATTAC[A>G]AGAAACGGCTTTCAGTTGAGCTGACCAGCTCTCTCTTCAGAACAGAGCCAATGGCTTGGA-3'
Protein context (NP_001895.1, residues 661-681): RMSEDKPQDY[Lys671Glu]KRLSVELTSS

ClinVar aggregate classification (germline): Uncertain significance (1 of 4 stars; one submission).

Submission:

GeneDx
Classification: Uncertain significance. Last evaluated: 2022-12-07. Review status: criteria provided, single submitter. Criteria: GeneDx Variant Classification Process June 2021. Collection method: clinical testing. Allele origin: germline. Affected: yes.
Comment: Not observed at significant frequency in large population cohorts (gnomAD); In silico analysis supports that this missense variant has a deleterious effect on protein structure/function; Has not been previously published as pathogenic or benign to our knowledge